The following is an entry in ClinVar:

ClinVar aggregate classification (germline): Pathogenic (1 of 4 stars; one submission).

Submission:

GeneDx
Classification: Pathogenic. Last evaluated: 2025-07-22. Review status: criteria provided, single submitter. Criteria: GeneDx Variant Classification Process June 2021. Collection method: clinical testing. Allele origin: germline. Affected: yes.
Comment: Not observed at significant frequency in large population cohorts (gnomAD); In silico analysis supports that this missense variant has a deleterious effect on protein structure/function; This variant is associated with the following publications: (PMID: 30859559, 31785789, 35982159, 33057194)

NM_006767.4(LZTR1):c.731C>G (p.Ser244Cys)

Gene: LZTR1 (leucine zipper like post translational regulator 1; plus strand). Cytogenetic location: 22q11.21.
Variant type: single nucleotide variant.
Coding change: c.731C>G on transcript NM_006767.4 (MANE Select); coding-DNA position 731, C replaced by G.
Protein change: p.Ser244Cys; replaces serine 244 with cysteine.
Molecular consequence: missense variant.
Genome position (GRCh38, 1-based): chr22:20,990,465, C>G. VCF-style: chr22-20990465-C-G. GRCh37 (hg19) VCF-style: chr22-21344754-C-G.
Other names: short protein forms S244C.
Identifiers: ClinVar variation 4686751 (VCV004686751.1).